The following is an entry in ClinVar:

NM_000512.5(GALNS):c.121-298A>G

Gene: GALNS (galactosamine (N-acetyl)-6-sulfatase; minus strand). Cytogenetic location: 16q24.3.
Variant type: single nucleotide variant.
Coding change: c.121-298A>G on transcript NM_000512.5 (MANE Select); 298 bases into the intron before coding-DNA position 121, A replaced by G.
Molecular consequence: intron variant. On other transcripts: missense variant (1).
Genome position (GRCh38, 1-based): chr16:88,843,127, T>C on the plus strand (A>G on the coding strand, the complement: GALNS is on the minus strand). VCF-style: chr16-88843127-T-C. GRCh37 (hg19) VCF-style: chr16-88909535-T-C.
Other names: c.41A>G, p.His14Arg (NM_001323544.2); c.-311-1156A>G (NM_001323543.2); short protein forms H14R.
Identifiers: ClinVar variation 2628922 (VCV002628922.1), dbSNP rs764628739, ClinGen allele CA8235321.

ClinVar aggregate classification (germline): Uncertain significance (1 of 4 stars; one submission).

Conditions:
GALNS-related disorder. Also called: GALNS-related condition.

Allele frequency attached by ClinVar (database versions not stated): gnomAD exomes below 0.00001; TOPMed 0.00002; gnomAD 0.00003; ExAC 0.00008.
gnomAD v4.1: 8 of 1,446,844 alleles (0.00055%); highest among the groups gnomAD compares: African/African-American, 0.011%; no homozygotes.

Submission:

PreventionGenetics, part of Exact Sciences
Classification: Uncertain significance for GALNS-related condition. Last evaluated: 2023-03-14. Review status: criteria provided, single submitter. Criteria: ACMG Guidelines, 2015. Collection method: clinical testing. Allele origin: germline.
Comment: The GALNS c.41A>G variant is predicted to result in the amino acid substitution p.His14Arg. To our knowledge, this variant has not been reported in the literature. This variant is reported in 0.031% of alleles in individuals of African descent in gnomAD. At this time, the clinical significance of this variant is uncertain due to the absence of conclusive functional and genetic evidence.